The following is an entry in ClinVar:

NM_007294.4(BRCA1):c.2389_2390del (p.Glu797fs)

Gene: BRCA1 (BRCA1 DNA repair associated; minus strand). Cytogenetic location: 17q21.31.
Variant type: Deletion.
Coding change: c.2389_2390del on transcript NM_007294.4 (MANE Select); coding-DNA positions 2389 to 2390, 2 bases deleted (GA; older notation c.2389_2390delGA).
Protein change: p.Glu797fs; shifts the reading frame from glutamic acid 797.
Molecular consequence: frameshift variant. On other transcripts: intron variant (137).
Genome position (GRCh38, 1-based): chr17:43,093,141-43,093,142, TC deleted on the plus strand (GA on the coding strand, the reverse complement: BRCA1 is on the minus strand); deleting any 2 consecutive bases within chr17:43,093,141-43,093,143 gives the same sequence; the c. name uses the placement nearest the transcript's 3' end. VCF-style (leftmost placement, unchanged base first): chr17-43093140-TTC-T. GRCh37 (hg19) VCF-style: chr17-41245157-TTC-T.
Other names: 2508delGA; c.2389_2390delGA (NM_007294.3); c.2176_2177del, p.Glu726fs (NM_001407571.1, NM_001407896.1, NM_001407897.1 and 9 more transcripts); c.2389_2390del, p.Glu797fs (NM_001407581.1, NM_001407582.1, NM_001407583.1 and 30 more transcripts); c.2386_2387del, p.Glu796fs (NM_001407587.1, NM_001407590.1, NM_001407591.1 and 22 more transcripts); c.2311_2312del, p.Glu771fs (NM_001407653.1, NM_001407654.1, NM_001407655.1 and 4 more transcripts); c.2308_2309del, p.Glu770fs (NM_001407659.1, NM_001407660.1, NM_001407661.1 and 1 more transcripts); c.2263_2264del, p.Glu755fs (NM_001407671.1, NM_001407672.1, NM_001407673.1 and 11 more transcripts); and 43 more; short protein forms E750fs, E797fs, E730fs, E755fs, E756fs, E771fs, E796fs, E686fs.
Identifiers: ClinVar variation 54552 (VCV000054552.79), dbSNP rs80357695, ClinGen allele CA001585.

ClinVar aggregate classification (germline): Pathogenic. Review status: reviewed by expert panel (3 of 4 stars). 16 submissions from 16 submitters: Pathogenic (1). 15 of the submissions do not count toward it. Last evaluated 2016-09-08.

Conditions:
Fanconi anemia, complementation group S (FANCS). Identifiers: MedGen C4554406, MONDO:0054748, OMIM 617883.
Familial cancer of breast. Also called: Hereditary breast cancer; hereditary breast carcinoma; BREAST CANCER, FAMILIAL. Identifiers: Orphanet 227535, MedGen C0346153, MONDO:0016419, OMIM 114480. Disease mechanism: loss of function.
Breast-ovarian cancer, familial, susceptibility to, 1 (BROVCA1). Also called: BRCA1 Hereditary Breast and Ovarian Cancer; OVARIAN CANCER, SUSCEPTIBILITY TO. Identifiers: Orphanet 145, MedGen C2676676, MONDO:0011450, OMIM 604370. Disease mechanism: loss of function.
Gastric cancer. Also called: Stomach cancer; Malignant tumor of stomach. Identifiers: MedGen C0024623, MeSH D013274, MONDO:0001056, OMIM 613659, HP:0012126.
Hereditary breast ovarian cancer syndrome. Also called: BRCA1- and BRCA2-Associated Hereditary Breast and Ovarian Cancer; Hereditary breast and/or ovarian cancer syndrome; Hereditary breast and ovarian cancer syndrome; Hereditary breast and ovarian cancer syndrome (HBOC); Hereditary breast and ovarian cancer; Breast and ovarian cancer. Identifiers: Orphanet 145, MedGen C0677776, MeSH D061325, MONDO:0003582. Disease mechanism: loss of function.
Hereditary cancer-predisposing syndrome. Also called: Neoplastic Syndromes, Hereditary; Tumor predisposition; Hereditary neoplastic syndrome; Hereditary Cancer Syndrome. Identifiers: Orphanet 140162, MedGen C0027672, MeSH D009386, MONDO:0015356.

Submissions 1 to 8 of 16:

Evidence-based Network for the Interpretation of Germline Mutant Alleles (ENIGMA)
Classification: Pathogenic for Breast-ovarian cancer, familial, susceptibility to, 1. Last evaluated: 2016-09-08. Review status: reviewed by expert panel. Criteria: ENIGMA BRCA1/2 Classification Criteria (2015). Collection method: curation. Allele origin: germline.
Comment: Variant allele predicted to encode a truncated non-functional protein.

Clinical Genetics, Tokyo Medical University
Classification: Pathogenic for Breast-ovarian cancer, familial, susceptibility to, 1. Last evaluated: 2026-08-27. Review status: criteria provided, single submitter. Criteria: ACMG Guidelines, 2015. Collection method: clinical testing. Allele origin: germline. Inheritance: Autosomal dominant inheritance. Affected: yes. Observed: 1 variant allele. Not counted in ClinVar's aggregate classification.
Comment: Frameshift variant (p.Glu797fsTer3) resulting in premature truncation and loss of the C-terminal BRCT domains essential for DNA damage response and homologous recombination repair. Meets PVS1 (null variant in a gene where loss of function is an established disease mechanism), PM2_Supporting (absent/extremely rare in population databases including gnomAD), and PP5 (classified as pathogenic by multiple submitters in ClinVar without conflicting evidence, including the ClinGen ENIGMA BRCA1/BRCA2 Variant Curation Expert Panel, VCV000054552.19, reviewed by expert panel), per the gene-specific ACMG/AMP classification framework developed by the ClinGen ENIGMA BRCA1 and BRCA2 Variant Curation Expert Panel (VCEP).

Color Diagnostics, LLC DBA Color Health
Classification: Pathogenic for Hereditary cancer-predisposing syndrome. Last evaluated: 2025-07-28. Review status: criteria provided, single submitter. Criteria: ACMG Guidelines, 2015. Collection method: clinical testing. Allele origin: germline. Not counted in ClinVar's aggregate classification.
Comment: This variant deletes 2 nucleotides in exon 10 of the BRCA1 gene, creating a frameshift and premature translation stop signal. This variant is also known as 2508delGA, 2507delAG and deletion of 2bp in codon 797 in BRCA1 in the literature. This variant is expected to result in an absent or non-functional protein product. This variant has been reported in multiple individuals and families affected with breast and/or ovarian cancer (PMID: 10326698, 10634513, 10804288, 12624724, 15168169, 22711857, 25070656, 27469594). This variant has not been identified in the general population by the Genome Aggregation Database (gnomAD). Loss of BRCA1 function is a known mechanism of disease. Based on the available evidence, this variant is classified as Pathogenic.

Labcorp Genetics (formerly Invitae), Labcorp
Classification: Pathogenic for Hereditary breast ovarian cancer syndrome. Last evaluated: 2025-05-28. Review status: criteria provided, single submitter. Criteria: Invitae Variant Classification Sherloc (09022015). Collection method: clinical testing. Allele origin: germline. Not counted in ClinVar's aggregate classification.
Comment: This sequence change creates a premature translational stop signal (p.Glu797Thrfs*3) in the BRCA1 gene. It is expected to result in an absent or disrupted protein product. Loss-of-function variants in BRCA1 are known to be pathogenic (PMID: 20104584). This variant is not present in population databases (gnomAD no frequency). This premature translational stop signal has been observed in individual(s) with breast and ovarian cancer (PMID: 10634513, 25070656). It has also been observed to segregate with disease in related individuals. This variant is also known as 469C>T, Pro157Ser. ClinVar contains an entry for this variant (Variation ID: 54552). For these reasons, this variant has been classified as Pathogenic.

Ambry Genetics
Classification: Pathogenic for Hereditary cancer-predisposing syndrome. Last evaluated: 2025-02-20. Review status: criteria provided, single submitter. Criteria: Ambry Variant Classification Scheme 2023. Collection method: clinical testing. Allele origin: germline. Not counted in ClinVar's aggregate classification.
Comment: The c.2389_2390delGA pathogenic mutation, located in coding exon 9 of the BRCA1 gene, results from a deletion of 2 nucleotides at positions 2389 and 2390, causing a translational frameshift with a predicted alternate stop codon (p.E797Tfs*3). In a stop codon assay, 48% of the colonies containing c.2389_2390delGA exhibited growth failure, indicating loss of function (Sakayori M et al. J Hum Genet, 2003;48:130-7). This variant has been identified in individuals who underwent clinical BRCA1/2 testing from various populations, as well as in ovarian cancer cohorts and in high risk breast cancer cohorts (de Souza Timoteo AR et al. Breast Cancer Res Treat, 2018 Dec;172:637-646; Palmero EI et al. Sci Rep, 2018 06;8:9188; Arai M et al. J Hum Genet, 2018 Apr;63:447-457; Kashima K et al. Jpn J Cancer Res, 2000 Apr;91:399-409; Alsop K et al. J Clin Oncol, 2012 Jul;30:2654-63; Yamashita Y et al. Breast Cancer Res. Treat., 1999 Nov;58:11-7; Luyeye Mvila G et al. BMC Public Health, 2014 Jul;14:759; Kawahara M et al. J Hum Genet, 2004 May;49:391-395; Donenberg T et al. Breast Cancer Res Treat, 2016 08;159:131-8). Of note, this variant is also described as 2507delAG and 2508delGA in the literature. This variant is considered to be rare based on population cohorts in the Genome Aggregation Database (gnomAD). In addition to the clinical data presented in the literature, this variant is expected to result in loss of function by premature protein truncation or nonsense-mediated mRNA decay. As such, this variant is interpreted as a disease-causing mutation.

GeneDx
Classification: Pathogenic. Last evaluated: 2024-08-30. Review status: criteria provided, single submitter. Criteria: GeneDx Variant Classification Process June 2021. Collection method: clinical testing. Allele origin: germline. Affected: yes. Not counted in ClinVar's aggregate classification.
Comment: Frameshift variant predicted to result in protein truncation or nonsense mediated decay in a gene for which loss of function is a known mechanism of disease; Truncating variants in this gene are considered pathogenic by a well-established clinical consortium and/or database; Not observed at significant frequency in large population cohorts (gnomAD); Also known as 2508_2509del; This variant is associated with the following publications: (PMID: 32980694, 33309985, 36243179, 34887416, 37310942, 29907814, 15168169, 26187060, 27469594, 30203341, 30159786, 31143373, 29176636, 33646313, 22711857, 33037428, 10326698, 20104584, 10804288, 10389907, 10634513, 25070656, 12624724)

Baylor Genetics
Classification: Pathogenic for Breast-ovarian cancer, familial, susceptibility to, 1. Last evaluated: 2023-03-10. Review status: criteria provided, single submitter. Criteria: ACMG Guidelines, 2015. Collection method: clinical testing. Allele origin: unknown. Not counted in ClinVar's aggregate classification.

Department of Pathology and Laboratory Medicine, Sinai Health System
Classification: Pathogenic for Familial cancer of breast; Breast-ovarian cancer, familial, susceptibility to, 1; Fanconi anemia, complementation group S. Last evaluated: 2020-07-09. Review status: criteria provided, single submitter. Criteria: ACMG Guidelines, 2015. Collection method: clinical testing. Allele origin: germline. Affected: yes. Not counted in ClinVar's aggregate classification.